The following is an entry in ClinVar:

NC_000019.9:g.(?_13106632)_(13428155_?)del

Genes: NFIX (nuclear factor I X; plus strand), STX10 (syntaxin 10; minus strand), NACC1 (nucleus accumbens associated 1; plus strand), IER2 (immediate early response 2; plus strand), LYL1 (LYL1 basic helix-loop-helix family member; minus strand) and 2 more. Cytogenetic location: 19p13.2.
Variant type: Deletion.
Identifiers: ClinVar variation 473244 (VCV000473244.6).

ClinVar aggregate classification (germline): Pathogenic (1 of 4 stars; one submission).

Conditions:
Marshall-Smith syndrome (MRSHSS). Identifiers: Orphanet 561, MedGen C0265211, MONDO:0011244, OMIM 602535.
Malan overgrowth syndrome (MALNS). Also called: Sotos syndrome 2; MALAN SYNDROME; NFIX-Related Malan Syndrome. Identifiers: Orphanet 420179, MedGen C3553660, MONDO:0013885, OMIM 614753.

Submission:

Labcorp Genetics (formerly Invitae), Labcorp
Classification: Pathogenic for Malan overgrowth syndrome; Marshall-Smith syndrome. Last evaluated: 2017-06-22. Review status: criteria provided, single submitter. Criteria: Invitae Variant Classification Sherloc (09022015). Collection method: clinical testing. Allele origin: germline.
Comment: A gross deletion of the genomic region encompassing the full coding sequence of the NFIX gene has been identified. The boundaries of this event are unknown as the deletion extends beyond the assayed region for this gene and therefore may encompass additional genes. Whole gene deletions of NFIX, generally as part of a larger 19p13.2 chromosomal microdeletion event, have been reported in several individuals affected with Malan syndrome, also known as Sotos-like syndrome or Sotos syndrome 2 (PMID: 23495138, 25118028, 25736188, 26927468, 27688808). Loss-of-function variants in NFIX are known to be pathogenic (PMID: 20673863, 25118028). For these reasons, this variant has been classified as Pathogenic.

Literature cited by the submitters: PubMed 23495138; PubMed 25118028; PubMed 25736188; PubMed 26927468; PubMed 27688808; PubMed 20673863.